The following is an entry in ClinVar:

NM_213622.4(STAMBP):c.653C>G (p.Pro218Arg)

Gene: STAMBP (STAM binding protein; plus strand). Cytogenetic location: 2p13.1.
Variant type: single nucleotide variant.
Coding change: c.653C>G on transcript NM_213622.4 (MANE Select); coding-DNA position 653, C replaced by G.
Protein change: p.Pro218Arg; replaces proline 218 with arginine.
Molecular consequence: missense variant. On other transcripts: non-coding transcript variant (4).
Genome position (GRCh38, 1-based): chr2:73,847,664, C>G. VCF-style: chr2-73847664-C-G. GRCh37 (hg19) VCF-style: chr2-74074791-C-G.
Other names: c.653C>G, p.Pro218Arg (NM_001353967.2, NM_001353968.2, NM_001353969.2 and 3 more transcripts); c.248C>G, p.Pro83Arg (NM_001353971.2, NM_001353972.2, NM_001353973.2 and 3 more transcripts); short protein forms P218R, P83R.
Identifiers: ClinVar variation 2015834 (VCV002015834.4), dbSNP rs2466596985, ClinGen allele CA347305977.

ClinVar aggregate classification (germline): Uncertain significance (1 of 4 stars; one submission).

Submission:

Labcorp Genetics (formerly Invitae), Labcorp
Classification: Uncertain significance. Last evaluated: 2022-10-17. Review status: criteria provided, single submitter. Criteria: Invitae Variant Classification Sherloc (09022015). Collection method: clinical testing. Allele origin: germline.
Comment: In summary, the available evidence is currently insufficient to determine the role of this variant in disease. Therefore, it has been classified as a Variant of Uncertain Significance. Advanced modeling of protein sequence and biophysical properties (such as structural, functional, and spatial information, amino acid conservation, physicochemical variation, residue mobility, and thermodynamic stability) performed at Invitae indicates that this missense variant is not expected to disrupt STAMBP protein function. This variant has not been reported in the literature in individuals affected with STAMBP-related conditions. This variant is not present in population databases (gnomAD no frequency). This sequence change replaces proline, which is neutral and non-polar, with arginine, which is basic and polar, at codon 218 of the STAMBP protein (p.Pro218Arg).